The following is an entry in ClinVar:

ClinVar aggregate classification (germline): Uncertain significance (1 of 4 stars; one submission).

gnomAD v4.1: 1 of 1,606,392 alleles (0.000062%); highest among the groups gnomAD compares: Non-Finnish European, 0.000085%; no homozygotes.

Submission:

Labcorp Genetics (formerly Invitae), Labcorp
Classification: Uncertain significance. Last evaluated: 2025-12-11. Review status: criteria provided, single submitter. Criteria: Invitae Variant Classification Sherloc (09022015). Collection method: clinical testing. Allele origin: germline.
Comment: This sequence change replaces proline, which is neutral and non-polar, with threonine, which is neutral and polar, at codon 315 of the FEZF1 protein (p.Pro315Thr). This variant is present in population databases (rs769231658, gnomAD 0.0009%). This variant has not been reported in the literature in individuals affected with FEZF1-related conditions. An algorithm developed to predict the effect of missense changes on protein structure and function (PolyPhen-2) suggests that this variant is likely to be disruptive. In summary, the available evidence is currently insufficient to determine the role of this variant in disease. Therefore, it has been classified as a Variant of Uncertain Significance.

NM_001024613.4(FEZF1):c.943C>A (p.Pro315Thr)

Gene: FEZF1 (FEZ family zinc finger 1; minus strand). Cytogenetic location: 7q31.32.
Variant type: single nucleotide variant.
Coding change: c.943C>A on transcript NM_001024613.4 (MANE Select); coding-DNA position 943, C replaced by A.
Protein change: p.Pro315Thr; replaces proline 315 with threonine.
Molecular consequence: missense variant.
Genome position (GRCh38, 1-based): chr7:122,302,925, G>T on the plus strand (C>A on the coding strand, the complement: FEZF1 is on the minus strand). VCF-style: chr7-122302925-G-T. GRCh37 (hg19) VCF-style: chr7-121942979-G-T.
Other names: c.793C>A, p.Pro265Thr (NM_001160264.3); short protein forms P315T, P265T.
Identifiers: ClinVar variation 4744332 (VCV004744332.1).